The following is an entry in ClinVar:

NM_001135629.3(PPP1R21):c.127-3T>C

Gene: PPP1R21 (protein phosphatase 1 regulatory subunit 21; plus strand). Cytogenetic location: 2p16.3.
Variant type: single nucleotide variant.
Coding change: c.127-3T>C on transcript NM_001135629.3 (MANE Select); 3 bases into the intron before coding-DNA position 127, T replaced by C.
Molecular consequence: intron variant. On other transcripts: non-coding transcript variant (1).
Genome position (GRCh38, 1-based): chr2:48,454,592, T>C. VCF-style: chr2-48454592-T-C. GRCh37 (hg19) VCF-style: chr2-48681731-T-C.
Other names: c.127-3T>C (NM_152994.5, NM_001193475.2).
Identifiers: ClinVar variation 2309213 (VCV002309213.2), dbSNP rs770985883, ClinGen allele CA1650716.

ClinVar aggregate classification (germline): Uncertain significance (1 of 4 stars; one submission).

Conditions:
Inborn genetic diseases. Identifiers: MedGen C0950123, MeSH D030342.

Allele frequency attached by ClinVar (database versions not stated): TOPMed 0.00001; gnomAD 0.00002; gnomAD exomes 0.00006; ExAC 0.00015.
gnomAD v4.1: 85 of 1,613,968 alleles (0.0053%); highest among the groups gnomAD compares: South Asian, 0.087%; no homozygotes.

Submission:

Ambry Genetics
Classification: Uncertain significance for Inborn genetic diseases. Last evaluated: 2022-09-29. Review status: criteria provided, single submitter. Criteria: Ambry Variant Classification Scheme 2023. Collection method: clinical testing. Allele origin: germline.
Comment: The c.127-3T>C intronic alteration consists of a T to C substitution 3 nucleotides before coding exon 3 in the PPP1R21 gene. Based on insufficient or conflicting evidence, the clinical significance of this alteration remains unclear.